The following is an entry in ClinVar:

NM_001005273.3(CHD3):c.1481A>G (p.Glu494Gly)

Gene: CHD3 (chromodomain helicase DNA binding protein 3; plus strand). Cytogenetic location: 17p13.1.
Variant type: single nucleotide variant.
Coding change: c.1481A>G on transcript NM_001005273.3 (MANE Select); coding-DNA position 1481, A replaced by G.
Protein change: p.Glu494Gly; replaces glutamic acid 494 with glycine.
Molecular consequence: missense variant.
Genome position (GRCh38, 1-based): chr17:7,895,128, A>G. VCF-style: chr17-7895128-A-G. GRCh37 (hg19) VCF-style: chr17-7798446-A-G.
Other names: c.1658A>G, p.Glu553Gly (NM_001005271.3, NM_001437504.1); c.1646A>G, p.Glu549Gly (NM_001437507.1, NM_001437508.1, NM_001437509.1); c.1481A>G, p.Glu494Gly (NM_005852.4); short protein forms E494G, E549G, E553G.
Identifiers: ClinVar variation 4527257 (VCV004527257.1).

ClinVar aggregate classification (germline): Uncertain significance (1 of 4 stars; one submission).

gnomAD v4.1: 1 of 1,613,996 alleles (0.000062%); highest among the groups gnomAD compares: South Asian, 0.0011%; no homozygotes.

Submission:

GeneDx
Classification: Uncertain significance. Last evaluated: 2025-04-21. Review status: criteria provided, single submitter. Criteria: GeneDx Variant Classification Process June 2021. Collection method: clinical testing. Allele origin: germline. Affected: yes.
Comment: Not observed at significant frequency in large population cohorts (gnomAD); In silico analysis supports that this missense variant has a deleterious effect on protein structure/function; Has not been previously published as pathogenic or benign to our knowledge